The following is an entry in ClinVar:

ClinVar aggregate classification (germline): Uncertain significance (1 of 4 stars; one submission).

Conditions:
Microcephaly 18, primary, autosomal dominant (MCPH18). Identifiers: MedGen C4479608, MONDO:0054593, OMIM 617520.

Submission:

MVZ Medizinische Genetik Mainz
Classification: Uncertain significance for Microcephaly 18, primary, autosomal dominant. Last evaluated: 2022-12-05. Review status: criteria provided, single submitter. Criteria: UK Practice Guidelines For Variant Classification V4 01 2020. Collection method: clinical testing. Allele origin: germline. Inheritance: Autosomal dominant inheritance. Affected: yes. Observed: 1 variant allele.
Comment: ACMG Criteria: PM2_SUP, PP2, PP3 (ACMG Version 3)

NM_014991.6(WDFY3):c.8894C>A (p.Pro2965His)

Gene: WDFY3 (WD repeat and FYVE domain containing 3; minus strand). Cytogenetic location: 4q21.23.
Variant type: single nucleotide variant.
Coding change: c.8894C>A on transcript NM_014991.6 (MANE Select); coding-DNA position 8894, C replaced by A.
Protein change: p.Pro2965His; replaces proline 2965 with histidine.
Molecular consequence: missense variant.
Genome position (GRCh38, 1-based): chr4:84,695,977, G>T on the plus strand (C>A on the coding strand, the complement: WDFY3 is on the minus strand). VCF-style: chr4-84695977-G-T. GRCh37 (hg19) VCF-style: chr4-85617130-G-T.
Other names: short protein forms P2965H.
Identifiers: ClinVar variation 3234098 (VCV003234098.1), dbSNP rs2530906144, ClinGen allele CA357538398.